The following is an entry in ClinVar:

ClinVar aggregate classification (germline): Likely pathogenic. Review status: criteria provided, single submitter (1 of 4 stars). 2 submissions from 2 submitters: Likely pathogenic (1). 1 of the submissions does not count toward it. Last evaluated 2024-02-01.

Conditions:
ERCC6-related disorder. Also called: ERCC6-related condition; ERCC6-related disorders. Identifiers: MedGen CN239385.
Cockayne syndrome type 2 (CSB). Also called: Cockayne Syndrome, Type II; COCKAYNE SYNDROME B. Identifiers: Orphanet 191, Orphanet 90322, MedGen C0751038, MONDO:0019570, OMIM 133540.

Allele frequency attached by ClinVar (database versions not stated): gnomAD exomes below 0.00001; ExAC 0.00001; gnomAD 0.00001.
gnomAD v4.1: 9 of 1,613,968 alleles (0.00056%); highest among the groups gnomAD compares: East Asian, 0.0022%; no homozygotes.

Submissions (2):

Laboratory of Medical Genetics, National & Kapodistrian University of Athens
Classification: Likely pathogenic for Cockayne syndrome type 2. Last evaluated: 2024-02-01. Review status: criteria provided, single submitter. Criteria: ACMG Guidelines, 2015. Collection method: curation. Allele origin: germline. Affected: no.

PreventionGenetics, part of Exact Sciences
Classification: Uncertain significance for ERCC6-related condition. Last evaluated: 2024-08-05. Review status: no assertion criteria provided. Collection method: clinical testing. Allele origin: germline. Not counted in ClinVar's aggregate classification.
Comment: The ERCC6 c.3091C>T variant is predicted to result in premature protein termination (p.Arg1031*). This variant is located in an alternately spliced exon and in the canonical transcript (NM_000124) this variant is intronic (c.1397+8605C>T). To our knowledge, this variant has not been reported in the literature. This variant is reported in 0.0046% of alleles in individuals of European (Finnish) descent in gnomAD. At this time, the clinical significance of this variant is uncertain due to the absence of conclusive functional and genetic evidence.

NM_001277058.2(ERCC6):c.3091C>T (p.Arg1031Ter)

Genes: ERCC6 (ERCC excision repair 6, chromatin remodeling factor; minus strand), PGBD3 (piggyBac transposable element derived 3; minus strand). Cytogenetic location: 10q11.23.
Variant type: single nucleotide variant.
Coding change: c.3091C>T on transcript NM_001277058.2 (MANE Plus Clinical); coding-DNA position 3091, C replaced by T.
Protein change: p.Arg1031Ter; replaces arginine 1031 with a stop codon.
Molecular consequence: nonsense. On other transcripts: intron variant (2).
Genome position (GRCh38, 1-based): chr10:49,515,428, G>A on the plus strand (C>T on the coding strand, the complement: ERCC6 is on the minus strand). VCF-style: chr10-49515428-G-A. GRCh37 (hg19) VCF-style: chr10-50723474-G-A.
Other names: c.3091C>T, p.Arg1031Ter (NM_001277059.2); c.1687C>T, p.Arg563Ter (NM_170753.3); c.1397+8605C>T (NM_001346440.2, NM_000124.4); c.3091C>T (NM_001277058.1); short protein forms R1031*, R563*.
Identifiers: ClinVar variation 3239663 (VCV003239663.2), dbSNP rs747903426.